The following is an entry in ClinVar:

ClinVar aggregate classification (germline): Benign (1 of 4 stars; one submission).

Conditions:
Majeed syndrome (MJDS). Also called: CHRONIC RECURRENT MULTIFOCAL OSTEOMYELITIS 1, WITH CONGENITAL DYSERYTHROPOIETIC ANEMIA, WITH OR WITHOUT NEUTROPHILIC DERMATOSIS; LPIN2-Related Majeed Syndrome. Identifiers: Orphanet 77297, MedGen C1864997, MONDO:0012316, OMIM 609628.

Allele frequency attached by ClinVar (database versions not stated): gnomAD 0.00509 and 0.00538; TOPMed 0.00603; 1000 Genomes Project 0.00719; 1000 Genomes Project 30x 0.00828.

Submission:

Illumina Laboratory Services, Illumina
Classification: Benign for Majeed syndrome. Last evaluated: 2018-01-13. Review status: criteria provided, single submitter. Criteria: ICSL Variant Classification Criteria 13 December 2019. Collection method: clinical testing. Allele origin: germline.
Comment: This variant was observed in the ICSL laboratory as part of a predisposition screen in an ostensibly healthy population. It had not been previously curated by ICSL or reported in the Human Gene Mutation Database (HGMD: prior to June 1st, 2018), and was therefore a candidate for classification through an automated scoring system. Utilizing variant allele frequency, disease prevalence and penetrance estimates, and inheritance mode, an automated score was calculated to assess if this variant is too frequent to cause the disease. Based on the score and internal cut-off values, a variant classified as benign is not then subjected to further curation. The score for this variant resulted in a classification of benign for this disease.

NM_001375808.2(LPIN2):c.*1622T>C

Gene: LPIN2 (lipin 2; minus strand). Cytogenetic location: 18p11.31.
Variant type: single nucleotide variant.
Coding change: c.*1622T>C on transcript NM_001375808.2 (MANE Select); 1622 bases downstream of the stop codon, T replaced by C.
Molecular consequence: 3 prime UTR variant.
Genome position (GRCh38, 1-based): chr18:2,918,671, A>G on the plus strand (T>C on the coding strand, the complement: LPIN2 is on the minus strand). VCF-style: chr18-2918671-A-G. GRCh37 (hg19) VCF-style: chr18-2918669-A-G.
Other names: c.*1622T>C (NM_001375809.1, NM_014646.2).
Identifiers: ClinVar variation 326580 (VCV000326580.5), dbSNP rs111366726, ClinGen allele CA10651457.